The following is an entry in ClinVar:

NC_000017.10:g.(?_29422055)_(29679452_?)del

Genes: EVI2A (ecotropic viral integration site 2A; minus strand), EVI2B (ecotropic viral integration site 2B; minus strand), NF1 (neurofibromin 1; plus strand), OMG (oligodendrocyte myelin glycoprotein; minus strand). Cytogenetic location: 17q11.2.
Variant type: Deletion.
Identifiers: ClinVar variation 3242852 (VCV003242852.1).

ClinVar aggregate classification (germline): Pathogenic (1 of 4 stars; one submission).

Conditions:
Neurofibromatosis, type 1 (NF1). Also called: VON RECKLINGHAUSEN DISEASE; Neurofibromatosis, type I; Peripheral type neurofibromatosis; NEUROFIBROMATOSIS, TYPE I, SOMATIC. Identifiers: Orphanet 636, MedGen C0027831, MONDO:0018975, OMIM 162200. Disease mechanism: loss of function.

Submission:

Labcorp Genetics (formerly Invitae), Labcorp
Classification: Pathogenic for Neurofibromatosis, type 1. Last evaluated: 2023-02-26. Review status: criteria provided, single submitter. Criteria: Invitae Variant Classification Sherloc (09022015). Collection method: clinical testing. Allele origin: unknown.
Comment: This variant is a gross deletion of the genomic region encompassing exon(s) 1-50 of the NF1 gene, which includes the initiator codon. This deletion extends beyond the assayed region for this gene and therefore may encompass additional genes. It is expected to result in an absent or disrupted protein product. Loss-of-function variants in NF1 are known to be pathogenic (PMID: 10712197, 23913538). This variant has not been reported in the literature in individuals affected with NF1-related conditions. For these reasons, this variant has been classified as Pathogenic.

Literature cited by the submitters: PubMed 10712197; PubMed 23913538.